The following is an entry in ClinVar:

NM_005219.5(DIAPH1):c.1629G>T (p.Gln543His)

Gene: DIAPH1 (diaphanous related formin 1; minus strand). Cytogenetic location: 5q31.3.
Variant type: single nucleotide variant.
Coding change: c.1629G>T on transcript NM_005219.5 (MANE Select); coding-DNA position 1629, G replaced by T.
Protein change: p.Gln543His; replaces glutamine 543 with histidine.
Molecular consequence: missense variant.
Genome position (GRCh38, 1-based): chr5:141,574,979, C>A on the plus strand (G>T on the coding strand, the complement: DIAPH1 is on the minus strand). VCF-style: chr5-141574979-C-A. GRCh37 (hg19) VCF-style: chr5-140954546-C-A.
Other names: c.1602G>T, p.Gln534His (NM_001079812.3); c.1629G>T, p.Gln543His (NM_001314007.2); short protein forms Q534H, Q543H.
Identifiers: ClinVar variation 4680961 (VCV004680961.1).
Genomic context (GRCh38, chr5:141,574,979, plus strand): 5'-TGCATCCTGAGGTTACAGGTCATTCTGCCTTCCCTGCTCAGGCATTACCTCTCCTGTGAG[C>A]TGGGACACCTCTGCTTCCAGGTCCTGTTTCTCTGTGGCAATTTGCTGCTTTTCAGAATGC-3'
Protein context (NP_005210.3, residues 533-553): EKQDLEAEVS[Gln543His]LTGEVAKLTK

ClinVar aggregate classification (germline): Uncertain significance (1 of 4 stars; one submission).

Submission:

GeneDx
Classification: Uncertain significance. Last evaluated: 2025-07-01. Review status: criteria provided, single submitter. Criteria: GeneDx Variant Classification Process June 2021. Collection method: clinical testing. Allele origin: germline. Affected: yes.
Comment: Not observed at significant frequency in large population cohorts (gnomAD); In silico analysis supports that this missense variant has a deleterious effect on protein structure/function; Has not been previously published as pathogenic or benign to our knowledge